The following is an entry in ClinVar:

NM_001378418.1(TCF20):c.4886A>G (p.Lys1629Arg)

Gene: TCF20 (transcription factor 20; minus strand). Cytogenetic location: 22q13.2.
Variant type: single nucleotide variant.
Coding change: c.4886A>G on transcript NM_001378418.1 (MANE Select); coding-DNA position 4886, A replaced by G.
Protein change: p.Lys1629Arg; replaces lysine 1629 with arginine.
Molecular consequence: missense variant.
Genome position (GRCh38, 1-based): chr22:42,210,420, T>C on the plus strand (A>G on the coding strand, the complement: TCF20 is on the minus strand). VCF-style: chr22-42210420-T-C. GRCh37 (hg19) VCF-style: chr22-42606426-T-C.
Other names: c.4886A>G, p.Lys1629Arg (NM_005650.4, NM_181492.3); short protein forms K1629R.
Identifiers: ClinVar variation 2428715 (VCV002428715.5), dbSNP rs200830778, ClinGen allele CA324697750.

ClinVar aggregate classification (germline): Uncertain significance. Review status: criteria provided, multiple submitters, no conflicts (2 of 4 stars). 2 submissions from 2 submitters: Uncertain significance (2). Last evaluated 2024-08-13.

Conditions:
Developmental delay with variable intellectual impairment and behavioral abnormalities. Identifiers: MedGen C5193092, MONDO:0032745, OMIM 618430.

Allele frequency attached by ClinVar (database versions not stated): gnomAD exomes 0.00001.
gnomAD v4.1: 5 of 1,614,276 alleles (0.00031%); highest among the groups gnomAD compares: Non-Finnish European, 0.00042%; no homozygotes.

Submissions (2):

Labcorp Genetics (formerly Invitae), Labcorp
Classification: Uncertain significance. Last evaluated: 2024-08-13. Review status: criteria provided, single submitter. Criteria: Invitae Variant Classification Sherloc (09022015). Collection method: clinical testing. Allele origin: germline.
Comment: This sequence change replaces lysine, which is basic and polar, with arginine, which is basic and polar, at codon 1629 of the TCF20 protein (p.Lys1629Arg). This variant is not present in population databases (gnomAD no frequency). This variant has not been reported in the literature in individuals affected with TCF20-related conditions. ClinVar contains an entry for this variant (Variation ID: 2428715). An algorithm developed to predict the effect of missense changes on protein structure and function (PolyPhen-2) suggests that this variant is likely to be disruptive. In summary, the available evidence is currently insufficient to determine the role of this variant in disease. Therefore, it has been classified as a Variant of Uncertain Significance.

ARUP Laboratories, Molecular Genetics and Genomics, ARUP Laboratories
Classification: Uncertain significance for Developmental delay with variable intellectual impairment and behavioral abnormalities. Last evaluated: 2022-03-02. Review status: criteria provided, single submitter. Criteria: ARUP Molecular Germline Variant Investigation Process 2021. Collection method: clinical testing. Allele origin: germline.